The following is an entry in ClinVar:

NM_002291.3(LAMB1):c.5225-10C>A

Gene: LAMB1 (laminin subunit beta 1; minus strand). Cytogenetic location: 7q31.1.
Variant type: single nucleotide variant.
Coding change: c.5225-10C>A on transcript NM_002291.3 (MANE Select); 10 bases into the intron before coding-DNA position 5225, C replaced by A.
Molecular consequence: intron variant.
Genome position (GRCh38, 1-based): chr7:107,924,097, G>T on the plus strand (C>A on the coding strand, the complement: LAMB1 is on the minus strand). VCF-style: chr7-107924097-G-T. GRCh37 (hg19) VCF-style: chr7-107564542-G-T.
Identifiers: ClinVar variation 380842 (VCV000380842.12), dbSNP rs3213674, ClinGen allele CA4434792.
Genomic context (GRCh38, chr7:107,924,097, plus strand): 5'-GAGCTTTATCTTCTAAGTATCTTTGATTGTCTTCATATTTTCTTTCTAAATCTGTGGGGA[G>T]ATATATATATATAAAGTCTGAGCAATTTATACTATGATGATCTCAAGACAAAGTGAATAT-3'

ClinVar aggregate classification (germline): Benign. Review status: criteria provided, multiple submitters, no conflicts (2 of 4 stars). 4 submissions from 4 submitters: Benign (4). Last evaluated 2026-02-03.

Allele frequency attached by ClinVar (database versions not stated): ExAC 0.49465; 1000 Genomes Project 0.49960; gnomAD exomes 0.58109; gnomAD 0.64359 and 0.64494.

Submissions (6):

Labcorp Genetics (formerly Invitae), Labcorp
Classification: Benign. Last evaluated: 2026-02-03. Review status: criteria provided, single submitter. Criteria: Invitae Variant Classification Sherloc (09022015). Collection method: clinical testing. Allele origin: germline.

Blueprint Genetics
Classification: Benign. Last evaluated: 2024-11-27. Review status: criteria provided, single submitter. Criteria: ACMG Guidelines, 2015. Collection method: clinical testing. Allele origin: germline.

GeneDx
Classification: Benign. Last evaluated: 2016-01-08. Review status: criteria provided, single submitter. Criteria: GeneDx Variant Classification (06012015). Collection method: clinical testing. Allele origin: germline. Affected: yes.
Comment: This variant is considered likely benign or benign based on one or more of the following criteria: it is a conservative change, it occurs at a poorly conserved position in the protein, it is predicted to be benign by multiple in silico algorithms, and/or has population frequency not consistent with disease.

Breakthrough Genomics
Classification: Benign. Review status: criteria provided, single submitter. Criteria: ACMG Guidelines, 2015. Collection method: not provided. Allele origin: germline. Inheritance: Autosomal recessive inheritance. Affected: yes.

Dr. Peter K. Rogan Lab, Western University
No classification provided (evidence only). Condition: Familial cancer of breast. Review status: no classification provided. Collection method: in vitro. Allele origin: not applicable. Functional consequence: retained intron. Not counted in ClinVar's aggregate classification.

Dr. Peter K. Rogan Lab, Western University
No classification provided (evidence only). Condition: Germ cell tumor of testis. Review status: no classification provided. Collection method: in vitro. Allele origin: not applicable. Functional consequence: retained intron. Not counted in ClinVar's aggregate classification.